The following is an entry in ClinVar:

NM_173660.5(DOK7):c.1371G>T (p.Glu457Asp)

Gene: DOK7 (docking protein 7; plus strand). Cytogenetic location: 4p16.3.
Variant type: single nucleotide variant.
Coding change: c.1371G>T on transcript NM_173660.5 (MANE Select); coding-DNA position 1371, G replaced by T.
Protein change: p.Glu457Asp; replaces glutamic acid 457 with aspartic acid.
Molecular consequence: missense variant. On other transcripts: 3 prime UTR variant (1).
Genome position (GRCh38, 1-based): chr4:3,493,357, G>T. VCF-style: chr4-3493357-G-T. GRCh37 (hg19) VCF-style: chr4-3495084-G-T.
Other names: c.*592G>T (NM_001164673.2); c.441G>T, p.Glu147Asp (NM_001256896.2); c.1371G>T, p.Glu457Asp (NM_001301071.2); c.939G>T, p.Glu313Asp (NM_001363811.2); short protein forms E147D, E313D, E457D.
Identifiers: ClinVar variation 1023213 (VCV001023213.9), dbSNP rs1455617490, ClinGen allele CA356117846.

ClinVar aggregate classification (germline): Uncertain significance (1 of 4 stars; one submission).

Conditions:
Congenital myasthenic syndrome 10. Also called: Myasthenia, limb-girdle, familial. Identifiers: Orphanet 590, MedGen C1850792, MONDO:0009690, OMIM 254300.
Fetal akinesia deformation sequence 1 (FADS1). Also called: Fetal akinesia sequence; Pena-Shokeir syndrome type I. Identifiers: Orphanet 994, MedGen C1276035, MONDO:0100101, OMIM 208150, HP:0001989.

Submission:

Labcorp Genetics (formerly Invitae), Labcorp
Classification: Uncertain significance for Congenital myasthenic syndrome 10; Fetal akinesia deformation sequence 1. Last evaluated: 2024-10-28. Review status: criteria provided, single submitter. Criteria: Invitae Variant Classification Sherloc (09022015). Collection method: clinical testing. Allele origin: germline.
Comment: This sequence change replaces glutamic acid, which is acidic and polar, with aspartic acid, which is acidic and polar, at codon 457 of the DOK7 protein (p.Glu457Asp). This variant is not present in population databases (gnomAD no frequency). This variant has not been reported in the literature in individuals affected with DOK7-related conditions. ClinVar contains an entry for this variant (Variation ID: 1023213). Invitae Evidence Modeling of protein sequence and biophysical properties (such as structural, functional, and spatial information, amino acid conservation, physicochemical variation, residue mobility, and thermodynamic stability) indicates that this missense variant is not expected to disrupt DOK7 protein function with a negative predictive value of 80%. In summary, the available evidence is currently insufficient to determine the role of this variant in disease. Therefore, it has been classified as a Variant of Uncertain Significance.